The following is an entry in ClinVar:

ClinVar aggregate classification (germline): Uncertain significance (1 of 4 stars; one submission).

Conditions:
Nephronophthisis. Also called: Juvenile Nephronophthisis. Identifiers: Orphanet 655, MedGen C0687120, MONDO:0019005, HP:0000090.

Submission:

Labcorp Genetics (formerly Invitae), Labcorp
Classification: Uncertain significance for Nephronophthisis. Last evaluated: 2022-03-23. Review status: criteria provided, single submitter. Criteria: Invitae Variant Classification Sherloc (09022015). Collection method: clinical testing. Allele origin: germline.
Comment: This sequence change replaces valine, which is neutral and non-polar, with alanine, which is neutral and non-polar, at codon 861 of the NPHP3 protein (p.Val861Ala). This variant is not present in population databases (gnomAD no frequency). In summary, the available evidence is currently insufficient to determine the role of this variant in disease. Therefore, it has been classified as a Variant of Uncertain Significance. Algorithms developed to predict the effect of missense changes on protein structure and function are either unavailable or do not agree on the potential impact of this missense change (SIFT: "Tolerated"; PolyPhen-2: "Probably Damaging"; Align-GVGD: "Class C0"). This variant has not been reported in the literature in individuals affected with NPHP3-related conditions.

NM_153240.5(NPHP3):c.2582T>C (p.Val861Ala)

Genes: NPHP3 (nephrocystin 3; minus strand), NPHP3-ACAD11 (NPHP3-ACAD11 readthrough (NMD candidate); minus strand). Cytogenetic location: 3q22.1.
Variant type: single nucleotide variant.
Coding change: c.2582T>C on transcript NM_153240.5 (MANE Select); coding-DNA position 2582, T replaced by C.
Protein change: p.Val861Ala; replaces valine 861 with alanine.
Molecular consequence: missense variant. On other transcripts: non-coding transcript variant (1).
Genome position (GRCh38, 1-based): chr3:132,690,639, A>G on the plus strand (T>C on the coding strand, the complement: NPHP3 is on the minus strand). VCF-style: chr3-132690639-A-G. GRCh37 (hg19) VCF-style: chr3-132409483-A-G.
Other names: short protein forms V861A.
Identifiers: ClinVar variation 2116328 (VCV002116328.4), dbSNP rs1195360790, ClinGen allele CA354580961.
Genomic context (GRCh38, chr3:132,690,639, plus strand): 5'-TTCTGTTTACTTCCCTGCTGCTGAAAAAGCCACGGGAGTTCATCTGCACTTCTCCAAGTC[A>G]CTCTGTCCTGACTATCAAAAGAGAGGAGACAATATTCAATATCTTCCTACAATGAGACTG-3'
Protein context (NP_694972.3, residues 851-871): YFTLQLSQDR[Val861Ala]TWRSADELPW